The following is an entry in ClinVar:

ClinVar aggregate classification (germline): Uncertain significance (1 of 4 stars; one submission).

Allele frequency attached by ClinVar (database versions not stated): gnomAD exomes below 0.00001.
gnomAD v4.1: 3 of 1,613,066 alleles (0.00019%); highest among the groups gnomAD compares: African/African-American, 0.0027%; no homozygotes.

Submission:

Labcorp Genetics (formerly Invitae), Labcorp
Classification: Uncertain significance. Last evaluated: 2022-07-26. Review status: criteria provided, single submitter. Criteria: Invitae Variant Classification Sherloc (09022015). Collection method: clinical testing. Allele origin: germline.
Comment: In summary, the available evidence is currently insufficient to determine the role of this variant in disease. Therefore, it has been classified as a Variant of Uncertain Significance. Algorithms developed to predict the effect of missense changes on protein structure and function are either unavailable or do not agree on the potential impact of this missense change (SIFT: "Deleterious"; PolyPhen-2: "Benign"; Align-GVGD: "Class C0"). ClinVar contains an entry for this variant (Variation ID: 1387282). This variant has not been reported in the literature in individuals affected with ADAMTSL4-related conditions. This variant is not present in population databases (gnomAD no frequency). This sequence change replaces glycine, which is neutral and non-polar, with aspartic acid, which is acidic and polar, at codon 42 of the ADAMTSL4 protein (p.Gly42Asp).

NM_019032.6(ADAMTSL4):c.125G>A (p.Gly42Asp)

Genes: ADAMTSL4 (ADAMTS like 4; plus strand), ADAMTSL4-AS2 (ADAMTSL4 antisense RNA 2; minus strand). Cytogenetic location: 1q21.2.
Variant type: single nucleotide variant.
Coding change: c.125G>A on transcript NM_019032.6 (MANE Select); coding-DNA position 125, G replaced by A.
Protein change: p.Gly42Asp; replaces glycine 42 with aspartic acid.
Molecular consequence: missense variant.
Genome position (GRCh38, 1-based): chr1:150,552,944, G>A. VCF-style: chr1-150552944-G-A. GRCh37 (hg19) VCF-style: chr1-150525420-G-A.
Other names: c.125G>A, p.Gly42Asp (NM_001288607.2, NM_001288608.2, NM_001378596.1 and 1 more transcripts); short protein forms G42D.
Identifiers: ClinVar variation 1387282 (VCV001387282.6), dbSNP rs1671577609, ClinGen allele CA342298137.
Genomic context (GRCh38, chr1:150,552,944, plus strand): 5'-TTTTCTCTATATAGGTGTTGTCCGGACACTCTCTTCAGACACCTACAGAGGAGGGCCAGG[G>A]CCCCGAAGGTGTCTGGGGACCTTGGGTCCAGTGGGCCTCTTGCTCCCAGCCCTGCGGGGT-3'
Protein context (NP_061905.2, residues 32-52): SLQTPTEEGQ[Gly42Asp]PEGVWGPWVQ